The following is an entry in ClinVar:

ClinVar aggregate classification (germline): Uncertain significance. Review status: criteria provided, multiple submitters, no conflicts (2 of 4 stars). 3 submissions from 3 submitters: Uncertain significance (2). 1 of the submissions does not count toward it. Last evaluated 2023-05-17.

Conditions:
Primary hyperoxaluria type 3. Also called: PH III. Identifiers: Orphanet 416, Orphanet 93600, MedGen C3150878, MONDO:0013327, OMIM 613616. Disease mechanism: loss of function.

Allele frequency attached by ClinVar (database versions not stated): gnomAD exomes below 0.00001; TOPMed below 0.00001; gnomAD 0.00001.
gnomAD v4.1: 2 of 1,614,006 alleles (0.00012%); highest among the groups gnomAD compares: South Asian, 0.0011%; no homozygotes.

Submissions (3):

Revvity Omics, Revvity
Classification: Uncertain significance. Last evaluated: 2023-05-17. Review status: criteria provided, single submitter. Criteria: ACMG Guidelines, 2015. Collection method: clinical testing. Allele origin: germline.

Labcorp Genetics (formerly Invitae), Labcorp
Classification: Uncertain significance. Last evaluated: 2021-08-27. Review status: criteria provided, single submitter. Criteria: Invitae Variant Classification Sherloc (09022015). Collection method: clinical testing. Allele origin: germline.
Comment: This sequence change replaces threonine with proline at codon 47 of the HOGA1 protein (p.Thr47Pro). The threonine residue is moderately conserved and there is a small physicochemical difference between threonine and proline. This variant is not present in population databases (ExAC no frequency). This variant has not been reported in the literature in individuals affected with HOGA1-related conditions. Advanced modeling of experimental studies (such as gene expression, population dynamics, functional pathways, and cell-cycle effects in cell culture) performed at Invitae indicates that this missense variant is expected to disrupt HOGA1 protein function. In summary, the available evidence is currently insufficient to determine the role of this variant in disease. Therefore, it has been classified as a Variant of Uncertain Significance.

Natera, Inc.
Classification: Uncertain significance for Primary hyperoxaluria type III. Last evaluated: 2021-06-17. Review status: no assertion criteria provided. Collection method: clinical testing. Allele origin: germline. Not counted in ClinVar's aggregate classification.

NM_138413.4(HOGA1):c.139A>C (p.Thr47Pro)

Gene: HOGA1 (4-hydroxy-2-oxoglutarate aldolase 1; plus strand). Cytogenetic location: 10q24.2.
Variant type: single nucleotide variant.
Coding change: c.139A>C on transcript NM_138413.4 (MANE Select); coding-DNA position 139, A replaced by C.
Protein change: p.Thr47Pro; replaces threonine 47 with proline.
Molecular consequence: missense variant.
Genome position (GRCh38, 1-based): chr10:97,584,842, A>C. VCF-style: chr10-97584842-A-C. GRCh37 (hg19) VCF-style: chr10-99344599-A-C.
Other names: c.139A>C, p.Thr47Pro (NM_001134670.2); short protein forms T47P.
Identifiers: ClinVar variation 862201 (VCV000862201.12), dbSNP rs1221444661, ClinGen allele CA377967331.
Genomic context (GRCh38, chr10:97,584,842, plus strand): 5'-TCAGGGGAGGGGAAGAAGGTGGACATTGCGGGTATCTACCCCCCTGTGACCACCCCCTTC[A>C]CTGCCACTGCAGAGGTGGACTATGGGAAACTGGAGGAGAATCTGCACAAACTGGGCACCT-3'
Protein context (NP_612422.2, residues 37-57): GIYPPVTTPF[Thr47Pro]ATAEVDYGKL